The following is an entry in ClinVar:

NM_000395.3(CSF2RB):c.580del (p.Gln194fs)

Gene: CSF2RB (colony stimulating factor 2 receptor subunit beta; plus strand). Cytogenetic location: 22q12.3.
Variant type: Deletion.
Coding change: c.580del on transcript NM_000395.3 (MANE Select); coding-DNA position 580, one base deleted (C; older notation c.580delC).
Protein change: p.Gln194fs; shifts the reading frame from glutamine 194.
Molecular consequence: frameshift variant.
Genome position (GRCh38, 1-based): chr22:36,929,669, C deleted; the last of 3 consecutive C bases (chr22:36,929,667-36,929,669); deleting any one gives the same sequence. VCF-style (leftmost placement, unchanged base first): chr22-36929666-TC-T. GRCh37 (hg19) VCF-style: chr22-37325708-TC-T.
Other names: short protein forms Q194fs.
Identifiers: ClinVar variation 1416053 (VCV001416053.6), dbSNP rs2145805386, ClinGen allele CA2573158118.

ClinVar aggregate classification (germline): Uncertain significance (1 of 4 stars; one submission).

Submission:

Labcorp Genetics (formerly Invitae), Labcorp
Classification: Uncertain significance. Last evaluated: 2022-09-19. Review status: criteria provided, single submitter. Criteria: Invitae Variant Classification Sherloc (09022015). Collection method: clinical testing. Allele origin: germline.
Comment: This sequence change creates a premature translational stop signal (p.Gln194Argfs*71) in the CSF2RB gene. It is expected to result in an absent or disrupted protein product. However, the current clinical and genetic evidence is not sufficient to establish whether loss-of-function variants in CSF2RB cause disease. This variant is not present in population databases (gnomAD no frequency). In summary, the available evidence is currently insufficient to determine the role of this variant in disease. Therefore, it has been classified as a Variant of Uncertain Significance. Algorithms developed to predict the effect of sequence changes on RNA splicing suggest that this variant may create or strengthen a splice site. ClinVar contains an entry for this variant (Variation ID: 1416053). This variant has not been reported in the literature in individuals affected with CSF2RB-related conditions.